The following is an entry in ClinVar:

NM_001165963.4(SCN1A):c.2035G>A (p.Asp679Asn)

Gene: SCN1A (sodium voltage-gated channel alpha subunit 1; minus strand). Cytogenetic location: 2q24.3.
Variant type: single nucleotide variant.
Coding change: c.2035G>A on transcript NM_001165963.4 (MANE Select); coding-DNA position 2035, G replaced by A.
Protein change: p.Asp679Asn; replaces aspartic acid 679 with asparagine.
Molecular consequence: missense variant. On other transcripts: intron variant (12).
Genome position (GRCh38, 1-based): chr2:166,043,677, C>T on the plus strand (G>A on the coding strand, the complement: SCN1A is on the minus strand). VCF-style: chr2-166043677-C-T. GRCh37 (hg19) VCF-style: chr2-166900187-C-T.
Other names: p.D679N:GAT>AAT; c.2035G>A, p.Asp679Asn (NM_001202435.3, NM_001353948.2); c.2010+25G>A (NM_001353949.2, NM_001353950.2, NM_001353951.2 and 2 more transcripts); c.1959+76G>A (NM_001353958.2, NM_001353957.2, NM_001165964.3); c.2007+25G>A (NM_001353955.2, NM_001353954.2); c.1956+76G>A (NM_001353960.2); c.-416+25G>A (NM_001353961.2); short protein forms D679N.
Identifiers: ClinVar variation 206778 (VCV000206778.2), dbSNP rs796052979, ClinGen allele CA317277.
Genomic context (GRCh38, chr2:166,043,677, plus strand): 5'-TGGTGCAGCAATAGTGAGCCAGCCATGCCTGAACTATTTAAAACTTCCTTACATTGTCAT[C>T]AGTAGCTGGCTTATCTATTATCACCTCTGGCAGAAGCTGTCCAACAGGCGATGTAGGAAC-3'
Protein context (NP_001159435.1, residues 669-689): PEVIIDKPAT[Asp679Asn]DNGTTTETEM

ClinVar aggregate classification (germline): Uncertain significance (1 of 4 stars; one submission).

Submission:

GeneDx
Classification: Uncertain significance. Last evaluated: 2014-02-25. Review status: criteria provided, single submitter. Criteria: GeneDx Variant Classification (06012015). Collection method: clinical testing. Allele origin: germline. Affected: yes.
Comment: p.Asp679Asn (GAT>AAT): c.2035 G>A in exon 11 of the SCN1A gene (NM_001165963.1) A variant of unknown significance has been identified in the SCN1A gene. The Asp679Asn variant has not been published as a mutation, nor has it been reported as a benign polymorphism to our knowledge. It was not observed in approximately 6,500 individuals of European and African American ancestry in the NHLBI Exome Sequencing Project, indicating it is not a common benign variant in these populations. The Asp679Asn variant is a semi-conservative amino acid substitution, which may impact secondary protein structure as these residues differ in some properties. This substitution occurs at a conserved position in the cytoplasmic domain between the first and second homologous domains. In silico analysis predicts this variant likely does not alter the protein structure/function. Therefore, based on the currently available information, it is unclear whether this variant is a pathogenic mutation or a rare benign variant. The variant is found in EPILEPSY panel(s).